The following is an entry in ClinVar:

ClinVar aggregate classification (germline): Uncertain significance (1 of 4 stars; one submission).

Submission:

CeGaT Center for Human Genetics Tuebingen
Classification: Uncertain significance. Last evaluated: 2025-05-01. Review status: criteria provided, single submitter. Criteria: CeGaT Center For Human Genetics Tuebingen Variant Classification Criteria Version 2. Collection method: clinical testing. Allele origin: germline. Affected: yes. Observed: 1 variant allele.
Comment: ZEB2: PM2

NM_014795.4(ZEB2):c.2211C>G (p.Asp737Glu)

Gene: ZEB2 (zinc finger E-box binding homeobox 2; minus strand). Cytogenetic location: 2q22.3.
Variant type: single nucleotide variant.
Coding change: c.2211C>G on transcript NM_014795.4 (MANE Select); coding-DNA position 2211, C replaced by G.
Protein change: p.Asp737Glu; replaces aspartic acid 737 with glutamic acid.
Molecular consequence: missense variant.
Genome position (GRCh38, 1-based): chr2:144,398,976, G>C on the plus strand (C>G on the coding strand, the complement: ZEB2 is on the minus strand). VCF-style: chr2-144398976-G-C. GRCh37 (hg19) VCF-style: chr2-145156543-G-C.
Other names: c.2139C>G, p.Asp713Glu (NM_001171653.2); short protein forms D713E, D737E.
Identifiers: ClinVar variation 3905824 (VCV003905824.10).
Genomic context (GRCh38, chr2:144,398,976, plus strand): 5'-AGGAGGATCACAATTCGTAACACTGTTGTGGAGTTCTGCTATAGATGGTGATGTTATGGA[G>C]TCCATAGGTTTTACAGGAGACCTGGGTAATAAAGAGTCTTTTGTGGGAGGGTTACTGTTG-3'
Protein context (NP_055610.1, residues 727-747): LLPRSPVKPM[Asp737Glu]SITSPSIAEL